The following is an entry in ClinVar:

NM_002080.4(GOT2):c.665G>A (p.Arg222His)

Genes: GOT2 (glutamic-oxaloacetic transaminase 2; minus strand), LOC126862363 (BRD4-independent group 4 enhancer GRCh37_chr16:58751959-58753158; plus strand). Cytogenetic location: 16q21.
Variant type: single nucleotide variant.
Coding change: c.665G>A on transcript NM_002080.4 (MANE Select); coding-DNA position 665, G replaced by A.
Protein change: p.Arg222His; replaces arginine 222 with histidine.
Molecular consequence: missense variant.
Genome position (GRCh38, 1-based): chr16:58,718,233, C>T on the plus strand (G>A on the coding strand, the complement: GOT2 is on the minus strand). VCF-style: chr16-58718233-C-T. GRCh37 (hg19) VCF-style: chr16-58752137-C-T.
Other names: c.536G>A, p.Arg179His (NM_001286220.2); c.665G>A (NM_002080.3); short protein forms R179H, R222H.
Identifiers: ClinVar variation 1632278 (VCV001632278.10), dbSNP rs139235307, ClinGen allele CA8090980.

ClinVar aggregate classification (germline): Benign. Review status: criteria provided, multiple submitters, no conflicts (2 of 4 stars). 3 submissions from 3 submitters: Benign (2). 1 of the submissions does not count toward it. Last evaluated 2026-02-01.

Conditions:
GOT2-related disorder. Also called: GOT2-related condition.

Allele frequency attached by ClinVar (database versions not stated): 1000 Genomes Project 30x 0.00531; 1000 Genomes Project 0.00539; TOPMed 0.01039; ESP Exome Variant Server 0.01223; ExAC 0.01274; gnomAD exomes 0.01315 and 0.01732; gnomAD 0.01327 and 0.01377.
gnomAD v4.1: 27,007 of 1,613,762 alleles (1.7%); highest among the groups gnomAD compares: Non-Finnish European, 1.9%; 270 homozygotes.

Submissions (3):

Labcorp Genetics (formerly Invitae), Labcorp
Classification: Benign. Last evaluated: 2026-02-01. Review status: criteria provided, single submitter. Criteria: Invitae Variant Classification Sherloc (09022015). Collection method: clinical testing. Allele origin: germline.

Breakthrough Genomics
Classification: Benign. Review status: criteria provided, single submitter. Criteria: ACMG Guidelines, 2015. Collection method: not provided. Allele origin: germline. Inheritance: Autosomal recessive inheritance. Affected: yes.

PreventionGenetics, part of Exact Sciences
Classification: Benign for GOT2-related condition. Last evaluated: 2024-04-16. Review status: no assertion criteria provided. Collection method: clinical testing. Allele origin: germline. Not counted in ClinVar's aggregate classification.
Comment: This variant is classified as benign based on ACMG/AMP sequence variant interpretation guidelines (Richards et al. 2015 PMID: 25741868, with internal and published modifications).